The following is an entry in ClinVar:

NM_005585.5(SMAD6):c.442del (p.Ala148fs)

Gene: SMAD6 (SMAD family member 6; plus strand). Cytogenetic location: 15q22.31.
Variant type: Deletion.
Coding change: c.442del on transcript NM_005585.5 (MANE Select); coding-DNA position 442, one base deleted (G; older notation c.442delG).
Protein change: p.Ala148fs; shifts the reading frame from alanine 148.
Molecular consequence: frameshift variant. On other transcripts: non-coding transcript variant (1).
Genome position (GRCh38, 1-based): chr15:66,703,700, G deleted; the last of 4 consecutive G bases (chr15:66,703,697-66,703,700); deleting any one gives the same sequence. VCF-style (leftmost placement, unchanged base first): chr15-66703696-CG-C. GRCh37 (hg19) VCF-style: chr15-66996034-CG-C.
Other names: short protein forms A148fs.
Identifiers: ClinVar variation 690423 (VCV000690423.2), dbSNP rs1595756920, ClinGen allele CA915946057.

ClinVar aggregate classification (germline): Uncertain significance (0 of 4 stars; one submission).

Conditions:
Radioulnar synostosis. Also called: Congenital radioulnar synostosis. Identifiers: Orphanet 3269, MedGen C0158761, MONDO:0017985, HP:0002974.

Submission:

The Laboratory of Genetics and Metabolism, Hunan Children’s Hospital
Classification: Uncertain significance for radioulnar synostosis. Last evaluated: 2019-05-14. Review status: no assertion criteria provided. Collection method: case-control. Allele origin: paternal. Affected: yes.
Comment: PVS1, PM2, PP4, PP4, BS4